The following is an entry in ClinVar:

ClinVar aggregate classification (germline): Conflicting classifications of pathogenicity. Review status: criteria provided, conflicting classifications (1 of 4 stars). 3 submissions from 3 submitters: Pathogenic (1); Uncertain significance (1). 1 of the submissions does not count toward it. Last evaluated 2024-03-17.

Conditions:
Usher syndrome type 1C. Also called: USHER SYNDROME, TYPE I, ACADIAN VARIETY. Identifiers: Orphanet 231169, Orphanet 886, MedGen C1848604, MONDO:0010171, OMIM 276904.
Autosomal recessive nonsyndromic hearing loss 18A. Also called: DEAFNESS, AUTOSOMAL RECESSIVE 18; Deafness, autosomal recessive 18A. Identifiers: Orphanet 90636, MedGen C1865870, MONDO:0011192, OMIM 602092.

Submissions (3):

Genomic Medicine Center of Excellence, King Faisal Specialist Hospital and Research Centre
Classification: Pathogenic for Usher syndrome type 1C. Last evaluated: 2024-03-17. Review status: criteria provided, single submitter. Criteria: ACMG Guidelines, 2015. Collection method: research. Allele origin: germline.

Laboratory for Molecular Medicine, Mass General Brigham Personalized Medicine
Classification: Uncertain significance. Last evaluated: 2016-03-29. Review status: criteria provided, single submitter. Criteria: LMM Criteria. Collection method: clinical testing. Allele origin: germline.
Comment: Variant identified in a genome or exome case(s) and assessed due to predicted null impact of the variant or pathogenic assertions in the literature or databases. Disclaimer: This variant has not undergone full assessment. The following are preliminary notes: Not reported. No information available. HL/Usher Gene not associated to pt disease.

Bioscientia Institut fuer Medizinische Diagnostik GmbH, Sonic Healthcare
Classification: Pathogenic for Autosomal recessive nonsyndromic hearing loss 18A. Last evaluated: 2018-09-03. Review status: no assertion criteria provided. Collection method: clinical testing. Allele origin: germline. Affected: yes. Not counted in ClinVar's aggregate classification.

NM_153676.4(USH1C):c.2380+1G>C

Gene: USH1C (USH1 protein network component harmonin; minus strand). Cytogenetic location: 11p15.1.
Variant type: single nucleotide variant.
Coding change: c.2380+1G>C on transcript NM_153676.4 (MANE Select); the canonical splice donor site of the intron after coding-DNA position 2380, G replaced by C.
Molecular consequence: splice donor variant.
Genome position (GRCh38, 1-based): chr11:17,501,050, C>G on the plus strand (G>C on the coding strand, the complement: USH1C is on the minus strand). VCF-style: chr11-17501050-C-G. GRCh37 (hg19) VCF-style: chr11-17522597-C-G.
Other names: c.1423+1G>C (NM_001297764.2); c.1480+1G>C (NM_005709.4).
Identifiers: ClinVar variation 403598 (VCV000403598.7), dbSNP rs1060499916, ClinGen allele CA16609745.